The following is an entry in ClinVar:

NM_001114753.3(ENG):c.943G>C (p.Val315Leu)

Gene: ENG (endoglin; minus strand). Cytogenetic location: 9q34.11.
Variant type: single nucleotide variant.
Coding change: c.943G>C on transcript NM_001114753.3 (MANE Select); coding-DNA position 943, G replaced by C.
Protein change: p.Val315Leu; replaces valine 315 with leucine.
Molecular consequence: missense variant.
Genome position (GRCh38, 1-based): chr9:127,824,848, C>G on the plus strand (G>C on the coding strand, the complement: ENG is on the minus strand). VCF-style: chr9-127824848-C-G. GRCh37 (hg19) VCF-style: chr9-130587127-C-G.
Other names: c.943G>C, p.Val315Leu (NM_000118.4, NM_001406715.1); c.397G>C, p.Val133Leu (NM_001278138.2); short protein forms V133L, V315L.
Identifiers: ClinVar variation 4843458 (VCV004843458.1).
Genomic context (GRCh38, chr9:127,824,848, plus strand): 5'-AAGGGTGCTCACCGCAGCTGGAGGCATGAAGTGAGACAATGCTGGCCAGCGGTAGCTCCA[C>G]GAAGGATGCCACAATGCTGGCATTGAGCATCCGGGCCTCCCCCAGGAGGCCTTGAGGTGT-3'
Protein context (NP_001108225.1, residues 305-325): MLNASIVASF[Val315Leu]ELPLASIVSL

ClinVar aggregate classification (germline): Uncertain significance (1 of 4 stars; one submission).

Conditions:
Cardiovascular phenotype. Identifiers: MedGen CN230736.

gnomAD v4.1: 1 of 1,603,630 alleles (0.000062%); highest among the groups gnomAD compares: Non-Finnish European, 0.000085%; no homozygotes.

Submission:

Ambry Genetics
Classification: Uncertain significance for Cardiovascular phenotype. Last evaluated: 2025-12-29. Review status: criteria provided, single submitter. Criteria: Ambry Variant Classification Scheme 2023. Collection method: clinical testing. Allele origin: germline.
Comment: The p.V315L variant (also known as c.943G>C), located in coding exon 7 of the ENG gene, results from a G to C substitution at nucleotide position 943. The valine at codon 315 is replaced by leucine, an amino acid with highly similar properties. This amino acid position is conserved. In addition, this alteration is predicted to be tolerated by in silico analysis. Based on the available evidence, the clinical significance of this variant remains unclear.